The following is an entry in ClinVar:

NM_001278064.2(GRM1):c.3364G>A (p.Asp1122Asn)

Gene: GRM1 (glutamate metabotropic receptor 1; plus strand). Cytogenetic location: 6q24.3.
Variant type: single nucleotide variant.
Coding change: c.3364G>A on transcript NM_001278064.2 (MANE Select); coding-DNA position 3364, G replaced by A.
Protein change: p.Asp1122Asn; replaces aspartic acid 1122 with asparagine.
Molecular consequence: missense variant. On other transcripts: 3 prime UTR variant (3).
Genome position (GRCh38, 1-based): chr6:146,434,575, G>A. VCF-style: chr6-146434575-G-A. GRCh37 (hg19) VCF-style: chr6-146755711-G-A.
Other names: c.*728G>A (NM_001278065.2); c.*693G>A (NM_001278066.1); c.*602G>A (NM_001278067.1); short protein forms D1122N.
Identifiers: ClinVar variation 2663079 (VCV002663079.1), dbSNP rs1778532092, ClinGen allele CA366193581.

ClinVar aggregate classification (germline): Uncertain significance (1 of 4 stars; one submission).

Submission:

GeneDx
Classification: Uncertain significance. Last evaluated: 2023-05-08. Review status: criteria provided, single submitter. Criteria: GeneDx Variant Classification Process June 2021. Collection method: clinical testing. Allele origin: germline. Affected: yes.
Comment: Not observed at significant frequency in large population cohorts (gnomAD); In silico analysis supports that this missense variant does not alter protein structure/function; Has not been previously published as pathogenic or benign to our knowledge